The following is an entry in ClinVar:

ClinVar aggregate classification (germline): Pathogenic. Review status: criteria provided, single submitter (1 of 4 stars). 2 submissions from 2 submitters: Pathogenic (1). 1 of the submissions does not count toward it. Last evaluated 2022-12-13.

Conditions:
Spondyloepimetaphyseal dysplasia, PAPSS2 type. Also called: BRACHYOLMIA TYPE 4 WITH MILD EPIPHYSEAL AND METAPHYSEAL CHANGES; SPONDYLODYSPLASIA AND PREMATURE PUBARCHE; SEMD, PAKISTANI TYPE. Identifiers: Orphanet 93282, MedGen C2748516, MONDO:0019666, OMIM 612847.

Allele frequency attached by ClinVar (database versions not stated): gnomAD exomes below 0.00001.
gnomAD v4.1: 1 of 1,614,148 alleles (0.000062%); highest among the groups gnomAD compares: South Asian, 0.0011%; no homozygotes.

Submissions (2):

Labcorp Genetics (formerly Invitae), Labcorp
Classification: Pathogenic for Spondyloepimetaphyseal dysplasia, PAPSS2 type. Last evaluated: 2022-12-13. Review status: criteria provided, single submitter. Criteria: Invitae Variant Classification Sherloc (09022015). Collection method: clinical testing. Allele origin: germline.
Comment: For these reasons, this variant has been classified as Pathogenic. Algorithms developed to predict the effect of sequence changes on RNA splicing suggest that this variant may create or strengthen a splice site. ClinVar contains an entry for this variant (Variation ID: 6686). This premature translational stop signal has been observed in individual(s) with PAPSS2-related conditions (PMID: 9771708, 25594860). This variant is not present in population databases (gnomAD no frequency). This sequence change creates a premature translational stop signal (p.Ser480*) in the PAPSS2 gene. It is expected to result in an absent or disrupted protein product. Loss-of-function variants in PAPSS2 are known to be pathogenic (PMID: 22791835, 23633440).

OMIM
Classification: Pathogenic for BRACHYOLMIA TYPE 4 WITH MILD EPIPHYSEAL AND METAPHYSEAL CHANGES. Last evaluated: 1998-10-01. Review status: no assertion criteria provided. Collection method: literature only. Allele origin: germline. Not counted in ClinVar's aggregate classification.

Literature cited by the submitters: PubMed 9771708 (cited by Labcorp Genetics (formerly Invitae), Labcorp and OMIM); PubMed 25594860 (cited by Labcorp Genetics (formerly Invitae), Labcorp); PubMed 22791835 (cited by Labcorp Genetics (formerly Invitae), Labcorp); PubMed 23633440 (cited by Labcorp Genetics (formerly Invitae), Labcorp); PubMed 9714015 (cited by OMIM).

NM_001015880.2(PAPSS2):c.1439C>A (p.Ser480Ter)

Gene: PAPSS2 (3'-phosphoadenosine 5'-phosphosulfate synthase 2; plus strand). Cytogenetic location: 10q23.31.
Variant type: single nucleotide variant.
Coding change: c.1439C>A on transcript NM_001015880.2 (MANE Select); coding-DNA position 1439, C replaced by A.
Protein change: p.Ser480Ter; replaces serine 480 with a stop codon.
Molecular consequence: nonsense.
Genome position (GRCh38, 1-based): chr10:87,743,589, C>A. VCF-style: chr10-87743589-C-A. GRCh37 (hg19) VCF-style: chr10-89503346-C-A.
Other names: S438*; c.1424C>A, p.Ser475Ter (NM_004670.4); short protein forms S475*, S480*.
Identifiers: ClinVar variation 6686 (VCV000006686.4), dbSNP rs121908950, ClinGen allele CA118415.
Genomic context (GRCh38, chr10:87,743,589, plus strand): 5'-TAGACTGGCGGATGAAGCAGCACGCGGCTGTGCTCGAGGAAGGGGTCCTGGATCCCAAGT[C>A]AACCATTGTTGCCATCTTTCCGTCTCCCATGTTATATGCTGGCCCCACAGAGGTGAGCAA-3'